The following is an entry in ClinVar:

NM_002206.3(ITGA7):c.1673C>T (p.Ser558Leu)

Gene: ITGA7 (integrin subunit alpha 7; minus strand). Cytogenetic location: 12q13.2.
Variant type: single nucleotide variant.
Coding change: c.1673C>T on transcript NM_002206.3 (MANE Select); coding-DNA position 1673, C replaced by T.
Protein change: p.Ser558Leu; replaces serine 558 with leucine.
Molecular consequence: missense variant.
Genome position (GRCh38, 1-based): chr12:55,696,963, G>A on the plus strand (C>T on the coding strand, the complement: ITGA7 is on the minus strand). VCF-style: chr12-55696963-G-A. GRCh37 (hg19) VCF-style: chr12-56090747-G-A.
Other names: c.1490C>T, p.Ser497Leu (NM_001414033.1); c.1673C>T, p.Ser558Leu (NM_001414034.1); c.1334C>T, p.Ser445Leu (NM_001414035.1); c.1667C>T, p.Ser556Leu (NM_001414029.1); c.1598C>T, p.Ser533Leu (NM_001414030.1); c.1586C>T, p.Ser529Leu (NM_001414031.1); c.1553C>T, p.Ser518Leu (NM_001414032.1); c.1655C>T, p.Ser552Leu (NM_001374465.1); and 6 more; short protein forms S110L, S449L, S465L, S552L, S558L, S562L, S602L, S518L.
Identifiers: ClinVar variation 1063777 (VCV001063777.12), dbSNP rs548594784, ClinGen allele CA6615862.
Genomic context (GRCh38, chr12:55,696,963, plus strand): 5'-AGCTGGAACATGGCGTCTCCACAGACTCGGTCATGCTGGTGCTTCAGCCACACGGTGCCC[G>A]AGGCCTGGTGCTTGGGTTCTTCCAGGTTACGGCTCAGGAACGTCACACGGGGAACCTGGC-3'
Protein context (NP_002197.2, residues 548-568): RNLEEPKHQA[Ser558Leu]GTVWLKHQHD

ClinVar aggregate classification (germline): Uncertain significance. Review status: criteria provided, multiple submitters, no conflicts (2 of 4 stars). 3 submissions from 3 submitters: Uncertain significance (3). Last evaluated 2024-08-13.

Conditions:
Congenital muscular dystrophy due to integrin alpha-7 deficiency. Also called: MYOPATHY, CONGENITAL, DUE TO INTEGRIN ALPHA-7 DEFICIENCY; Congenital muscular dystrophy with integrin alpha-7 deficiency; Muscular dystrophy, congenital, due to ITGA7 deficiency. Identifiers: Orphanet 34520, MedGen C2750786, MONDO:0013177, OMIM 613204.

Allele frequency attached by ClinVar (database versions not stated): TOPMed 0.00001; gnomAD 0.00002 and 0.00003; gnomAD exomes 0.00003 and 0.00004; ExAC 0.00007; 1000 Genomes Project 0.00020; 1000 Genomes Project 30x 0.00031.
gnomAD v4.1: 45 of 1,614,158 alleles (0.0028%); highest among the groups gnomAD compares: South Asian, 0.025%; no homozygotes.

Submissions (3):

Labcorp Genetics (formerly Invitae), Labcorp
Classification: Uncertain significance for Congenital muscular dystrophy due to integrin alpha-7 deficiency. Last evaluated: 2024-08-13. Review status: criteria provided, single submitter. Criteria: Invitae Variant Classification Sherloc (09022015). Collection method: clinical testing. Allele origin: germline.
Comment: This sequence change replaces serine, which is neutral and polar, with leucine, which is neutral and non-polar, at codon 558 of the ITGA7 protein (p.Ser558Leu). This variant is present in population databases (rs548594784, gnomAD 0.03%). This variant has not been reported in the literature in individuals affected with ITGA7-related conditions. ClinVar contains an entry for this variant (Variation ID: 1063777). Advanced modeling of protein sequence and biophysical properties (such as structural, functional, and spatial information, amino acid conservation, physicochemical variation, residue mobility, and thermodynamic stability) performed at Invitae indicates that this missense variant is not expected to disrupt ITGA7 protein function with a negative predictive value of 80%. In summary, the available evidence is currently insufficient to determine the role of this variant in disease. Therefore, it has been classified as a Variant of Uncertain Significance.

Ambry Genetics
Classification: Uncertain significance. Last evaluated: 2023-04-24. Review status: criteria provided, single submitter. Criteria: Ambry Variant Classification Scheme 2023. Collection method: clinical testing. Allele origin: germline.

Revvity Omics, Revvity
Classification: Uncertain significance for Congenital muscular dystrophy due to integrin alpha-7 deficiency. Last evaluated: 2019-08-26. Review status: criteria provided, single submitter. Criteria: ACMG Guidelines, 2015. Collection method: clinical testing. Allele origin: germline.